The following is an entry in ClinVar:

NM_032656.4(DHX37):c.3440T>C (p.Ile1147Thr)

Gene: DHX37 (DEAH-box helicase 37; minus strand). Cytogenetic location: 12q24.31.
Variant type: single nucleotide variant.
Coding change: c.3440T>C on transcript NM_032656.4 (MANE Select); coding-DNA position 3440, T replaced by C.
Protein change: p.Ile1147Thr; replaces isoleucine 1147 with threonine.
Molecular consequence: missense variant.
Genome position (GRCh38, 1-based): chr12:124,947,836, A>G on the plus strand (T>C on the coding strand, the complement: DHX37 is on the minus strand). VCF-style: chr12-124947836-A-G. GRCh37 (hg19) VCF-style: chr12-125432382-A-G.
Other names: short protein forms I1147T.
Identifiers: ClinVar variation 735695 (VCV000735695.33), dbSNP rs148973591, ClinGen allele CA6871189.

ClinVar aggregate classification (germline): Conflicting classifications of pathogenicity. Review status: criteria provided, conflicting classifications (1 of 4 stars). 4 submissions from 4 submitters: Uncertain significance (1); Likely benign (2). 1 of the submissions does not count toward it. Last evaluated 2026-01-28.

Conditions:
DHX37-related disorder. Also called: DHX37-Related Disorders; DHX37-related condition.
Inborn genetic diseases. Identifiers: MedGen C0950123, MeSH D030342.

Allele frequency attached by ClinVar (database versions not stated): 1000 Genomes Project 0.00040; 1000 Genomes Project 30x 0.00062; TOPMed 0.00181; gnomAD exomes 0.00188 and 0.00221; gnomAD 0.00208 and 0.00219; ExAC 0.00213; ESP Exome Variant Server 0.00231.
gnomAD v4.1: 3,514 of 1,603,458 alleles (0.22%); highest among the groups gnomAD compares: Non-Finnish European, 0.26%; 13 homozygotes.

Submissions (4):

Labcorp Genetics (formerly Invitae), Labcorp
Classification: Likely benign. Last evaluated: 2026-01-28. Review status: criteria provided, single submitter. Criteria: Invitae Variant Classification Sherloc (09022015). Collection method: clinical testing. Allele origin: germline.

CeGaT Center for Human Genetics Tuebingen
Classification: Likely benign. Last evaluated: 2025-09-01. Review status: criteria provided, single submitter. Criteria: CeGaT Center For Human Genetics Tuebingen Variant Classification Criteria Version 2. Collection method: clinical testing. Allele origin: germline. Affected: yes. Observed: 12 variant alleles.
Comment: DHX37: BP4, BS1

Ambry Genetics
Classification: Uncertain significance for Inborn genetic diseases. Last evaluated: 2025-08-05. Review status: criteria provided, single submitter. Criteria: Ambry Variant Classification Scheme 2023. Collection method: clinical testing. Allele origin: germline.

PreventionGenetics, part of Exact Sciences
Classification: Likely benign for DHX37-related condition. Last evaluated: 2020-06-11. Review status: no assertion criteria provided. Collection method: clinical testing. Allele origin: germline. Not counted in ClinVar's aggregate classification.
Comment: This variant is classified as likely benign based on ACMG/AMP sequence variant interpretation guidelines (Richards et al. 2015 PMID: 25741868, with internal and published modifications).